The following is an entry in ClinVar:

NM_017909.4(RMND1):c.1349G>C (p.Ter450Ser)

Gene: RMND1 (required for meiotic nuclear division 1 homolog; minus strand). Cytogenetic location: 6q25.1.
Variant type: single nucleotide variant.
Coding change: c.1349G>C on transcript NM_017909.4 (MANE Select); coding-DNA position 1349, G replaced by C.
Protein change: p.Ter450Ser.
Molecular consequence: stop lost.
Genome position (GRCh38, 1-based): chr6:151,405,236, C>G on the plus strand (G>C on the coding strand, the complement: RMND1 is on the minus strand). VCF-style: chr6-151405236-C-G. GRCh37 (hg19) VCF-style: chr6-151726371-C-G.
Other names: *450S; *280S; 1349G-C; c.839G>C, p.Ter280Ser (NM_001271937.2).
Identifiers: ClinVar variation 143051 (VCV000143051.11), dbSNP rs115079861, ClinGen allele CA170072.

ClinVar aggregate classification (germline): Pathogenic/Likely pathogenic. Review status: criteria provided, multiple submitters, no conflicts (2 of 4 stars). 7 submissions from 7 submitters: Pathogenic (3); Likely pathogenic (2). 2 of the submissions do not count toward it. Last evaluated 2025-06-12.

Conditions:
Inborn genetic diseases. Identifiers: MedGen C0950123, MeSH D030342.
Mitochondrial disease. Also called: Mitochondrial disorder; Mitochondrial disorders. Identifiers: Orphanet 68380, MedGen C0751651, MeSH D028361, MONDO:0044970.
Combined oxidative phosphorylation defect type 11. Also called: ENCEPHALONEUROMYOPATHY, INFANTILE, DUE TO MITOCHONDRIAL TRANSLATION DEFECT; Combined oxidative phosphorylation deficiency 11. Identifiers: Orphanet 324535, MedGen C5190991, MONDO:0013969, OMIM 614922.

Allele frequency attached by ClinVar (database versions not stated): 1000 Genomes Project 30x 0.00016.
gnomAD v4.1: 21 of 1,612,142 alleles (0.0013%); highest among the groups gnomAD compares: South Asian, 0.023%; no homozygotes.

Submissions (7):

Revvity Omics, Revvity
Classification: Likely pathogenic for Combined oxidative phosphorylation defect type 11. Last evaluated: 2025-06-12. Review status: criteria provided, single submitter. Criteria: ACMG Guidelines, 2015. Collection method: clinical testing. Allele origin: germline.

Genomic Medicine Center of Excellence, King Faisal Specialist Hospital and Research Centre
Classification: Likely pathogenic for Combined oxidative phosphorylation defect type 11. Last evaluated: 2024-03-17. Review status: criteria provided, single submitter. Criteria: ACMG Guidelines, 2015. Collection method: research. Allele origin: germline.

Baylor Genetics
Classification: Pathogenic for Combined oxidative phosphorylation defect type 11. Last evaluated: 2019-08-17. Review status: criteria provided, single submitter. Criteria: ACMG Guidelines, 2015. Collection method: clinical testing. Allele origin: unknown. Affected: yes.
Comment: This variant was determined to be pathogenic according to ACMG Guidelines, 2015 [PMID:25741868].

Ambry Genetics
Classification: Pathogenic for Inborn genetic diseases. Last evaluated: 2015-08-21. Review status: criteria provided, single submitter. Criteria: Ambry exome assertion method (8-5-2015). Collection method: clinical testing. Allele origin: germline. Affected: yes. Observed: 1 variant allele.

Lifecell International Pvt. Ltd
Classification: Pathogenic for Combined oxidative phosphorylation defect type 11. Review status: criteria provided, single submitter. Criteria: ACMG Guidelines, 2015. Collection method: clinical testing. Allele origin: germline. Inheritance: Autosomal recessive inheritance. Affected: yes. Observed: 1 homozygote.
Comment: A Homozygote Stop readthrough variant c.1349G>C in Exon 12 of the RMND1 gene that results in the amino acid substitution p.Ter450Serext*? was identified. The observed variant has a minor allele frequency of 0.00002% in gnomAD exomes and novel is gnomAD genomes, respectively. The severity of the impact of this variant on the protein is medium, based on the effect of the protein and REVEL score. Rare Exome Variant Ensemble Learner (REVEL) is an ensembl method for predicting the pathogenicity of missense variants based on a combination of scores from 13 individual tools: MutPred, FATHMM v2.3, VEST 3.0, PolyPhen-2, SIFT, PROVEAN, MutationAssessor, MutationTaster, LRT, GERP++, SiPhy, phyloP, and phastCons. The REVEL score for an individual missense variant can range from 0 to 1, with higher scores reflecting greater likelihood that the variant is disease-causing. ClinVar has also classified this variant as Pathogenic [Variation ID: 143051]. The observed variation has been reported in mitochondrial disorders patients (Vinu N, et.al, 2018). For these reasons, this variant has been classified as Pathogenic.

Mitochondrial Research Group, Newcastle University
Classification: Pathogenic for Mitochondrial disease. Last evaluated: 2015-12-22. Review status: no assertion criteria provided. Collection method: clinical testing. Allele origin: germline. Affected: yes. Not counted in ClinVar's aggregate classification.

OMIM
Classification: Pathogenic for COMBINED OXIDATIVE PHOSPHORYLATION DEFICIENCY 11. Last evaluated: 2014-07-02. Review status: no assertion criteria provided. Collection method: literature only. Allele origin: germline. Not counted in ClinVar's aggregate classification.

Literature cited by the submitters: PubMed 29071585 (cited by Lifecell International Pvt. Ltd); PubMed 27412952 (cited by Mitochondrial Research Group, Newcastle University); PubMed 25058219 (cited by OMIM).